The following is an entry in ClinVar:

ClinVar aggregate classification (germline): Likely benign (1 of 4 stars; one submission).

gnomAD v4.1: 34 of 1,614,044 alleles (0.0021%); highest among the groups gnomAD compares: Non-Finnish European, 0.0029%; no homozygotes.

Submission:

CeGaT Center for Human Genetics Tuebingen
Classification: Likely benign. Last evaluated: 2024-09-01. Review status: criteria provided, single submitter. Criteria: CeGaT Center For Human Genetics Tuebingen Variant Classification Criteria Version 2. Collection method: clinical testing. Allele origin: germline. Affected: yes. Observed: 1 variant allele.
Comment: LAMA1: BP4, BP7

NM_005559.4(LAMA1):c.3978T>C (p.Tyr1326=)

Gene: LAMA1 (laminin subunit alpha 1; minus strand). Cytogenetic location: 18p11.31.
Variant type: single nucleotide variant.
Coding change: c.3978T>C on transcript NM_005559.4 (MANE Select); coding-DNA position 3978, T replaced by C.
Protein change: p.Tyr1326=; no amino-acid change (tyrosine 1326 retained).
Molecular consequence: synonymous variant.
Genome position (GRCh38, 1-based): chr18:7,009,262, A>G on the plus strand (T>C on the coding strand, the complement: LAMA1 is on the minus strand). VCF-style: chr18-7009262-A-G. GRCh37 (hg19) VCF-style: chr18-7009261-A-G.
Identifiers: ClinVar variation 3389765 (VCV003389765.14).
Genomic context (GRCh38, chr18:7,009,262, plus strand): 5'-TGAAAATAACGGTCAAAATTCTAGAAGCTCCAAGTACCTGCTCTGCTGTAATCCTTGACC[A>G]TACGATGCCTTGATGAGGATGTACTCAATATCGCTGAGGACAGACATAAAATCCTCTCGC-3'
Protein context (NP_005550.2, residues 1316-1336): DIEYILIKAS[Tyr1326=]GQGLQQSRIS